The following is an entry in ClinVar:

ClinVar aggregate classification (germline): Uncertain significance. Review status: criteria provided, multiple submitters, no conflicts (2 of 4 stars). 2 submissions from 2 submitters: Uncertain significance (2). Last evaluated 2026-01-12.

Conditions:
Inborn genetic diseases. Identifiers: MedGen C0950123, MeSH D030342.

Allele frequency attached by ClinVar (database versions not stated): ESP Exome Variant Server 0.00008; gnomAD exomes 0.00014; ExAC 0.00031.

Submissions (4):

Labcorp Genetics (formerly Invitae), Labcorp
Classification: Uncertain significance. Last evaluated: 2026-01-12. Review status: criteria provided, single submitter. Criteria: Invitae Variant Classification Sherloc (09022015). Collection method: clinical testing. Allele origin: germline.
Comment: This sequence change replaces alanine, which is neutral and non-polar, with valine, which is neutral and non-polar, at codon 151 of the ATP5D protein (p.Ala151Val). This variant is present in population databases (rs200485963, gnomAD 0.03%). This variant has not been reported in the literature in individuals affected with ATP5D-related conditions. ClinVar contains an entry for this variant (Variation ID: 1682815). An algorithm developed to predict the effect of missense changes on protein structure and function (PolyPhen-2) suggests that this variant is likely to be disruptive. In summary, the available evidence is currently insufficient to determine the role of this variant in disease. Therefore, it has been classified as a Variant of Uncertain Significance.

Ambry Genetics
Classification: Uncertain significance for Inborn genetic diseases. Last evaluated: 2025-08-20. Review status: criteria provided, single submitter. Criteria: Ambry Variant Classification Scheme 2023. Collection method: clinical testing. Allele origin: germline.

Dr. Peter K. Rogan Lab, Western University
No classification provided (evidence only). Condition: Ovarian serous cystadenocarcinoma. Review status: no classification provided. Collection method: in vitro. Allele origin: not applicable. Functional consequence: retained intron. Not counted in ClinVar's aggregate classification.

Dr. Peter K. Rogan Lab, Western University
No classification provided (evidence only). Condition: Malignant tumor of esophagus. Review status: no classification provided. Collection method: in vitro. Allele origin: not applicable. Functional consequence: retained intron. Not counted in ClinVar's aggregate classification.

NM_001687.5(ATP5F1D):c.452C>T (p.Ala151Val)

Genes: ATP5F1D (ATP synthase F1 subunit delta; plus strand), LOC130062904 (ATAC-STARR-seq lymphoblastoid silent region 9674; plus strand). Cytogenetic location: 19p13.3.
Variant type: single nucleotide variant.
Coding change: c.452C>T on transcript NM_001687.5 (MANE Select); coding-DNA position 452, C replaced by T.
Protein change: p.Ala151Val; replaces alanine 151 with valine.
Molecular consequence: missense variant.
Genome position (GRCh38, 1-based): chr19:1,244,382, C>T. VCF-style: chr19-1244382-C-T. GRCh37 (hg19) VCF-style: chr19-1244381-C-T.
Other names: c.452C>T (NM_001687.4); c.452C>T, p.Ala151Val (NM_001001975.2); short protein forms A151V.
Identifiers: ClinVar variation 1682815 (VCV001682815.10), dbSNP rs200485963, ClinGen allele CA9040343.